The following is an entry in ClinVar:

NM_014908.3(DOLK):c.-543T>C

Genes: DOLK (dolichol kinase; minus strand), NUP188 (nucleoporin 188; plus strand). Cytogenetic location: 9q34.11.
Variant type: single nucleotide variant.
Coding change: c.-543T>C on transcript NM_014908.3; 543 bases upstream of the start codon, T replaced by C.
Molecular consequence: intron variant (on NM_015354.3).
Genome position (GRCh38, 1-based): chr9:128,947,846, A>G on the plus strand (T>C on the coding strand, the complement: DOLK is on the minus strand). VCF-style: chr9-128947846-A-G. GRCh37 (hg19) VCF-style: chr9-131710125-A-G.
Other names: c.32+95A>G (NM_015354.3).
Identifiers: ClinVar variation 676304 (VCV000676304.4), dbSNP rs113527732, ClinGen allele CA15602219.

ClinVar aggregate classification (germline): Benign. Review status: criteria provided, multiple submitters, no conflicts (2 of 4 stars). 2 submissions from 2 submitters: Benign (2). Last evaluated 2018-06-19.

Allele frequency attached by ClinVar (database versions not stated): gnomAD exomes 0.00709; 1000 Genomes Project 0.05811; TOPMed 0.04999; gnomAD 0.04600 and 0.04770; 1000 Genomes Project 30x 0.05762.

Submissions (2):

GeneDx
Classification: Benign. Last evaluated: 2018-06-19. Review status: criteria provided, single submitter. Criteria: GeneDx Variant Classification (06012015). Collection method: clinical testing. Allele origin: germline. Affected: yes.
Comment: This variant is considered likely benign or benign based on one or more of the following criteria: it is a conservative change, it occurs at a poorly conserved position in the protein, it is predicted to be benign by multiple in silico algorithms, and/or has population frequency not consistent with disease.

Breakthrough Genomics
Classification: Benign. Review status: criteria provided, single submitter. Criteria: ACMG Guidelines, 2015. Collection method: not provided. Allele origin: germline. Inheritance: Autosomal recessive inheritance. Affected: yes.